The following is an entry in ClinVar:

ClinVar aggregate classification (germline): Uncertain significance. Review status: criteria provided, multiple submitters, no conflicts (2 of 4 stars). 3 submissions from 3 submitters: Uncertain significance (3). Last evaluated 2025-10-03.

Conditions:
Hereditary cancer-predisposing syndrome. Also called: Tumor predisposition; Hereditary neoplastic syndrome; Neoplastic Syndromes, Hereditary; Hereditary Cancer Syndrome. Identifiers: Orphanet 140162, MedGen C0027672, MeSH D009386, MONDO:0015356.
Cardiovascular phenotype. Identifiers: MedGen CN230736.

Allele frequency attached by ClinVar (database versions not stated): TOPMed 0.00001.

Submissions (3):

Labcorp Genetics (formerly Invitae), Labcorp
Classification: Uncertain significance. Last evaluated: 2025-10-03. Review status: criteria provided, single submitter. Criteria: Invitae Variant Classification Sherloc (09022015). Collection method: clinical testing. Allele origin: germline.
Comment: This sequence change replaces leucine, which is neutral and non-polar, with arginine, which is basic and polar, at codon 449 of the LZTR1 protein (p.Leu449Arg). This variant is not present in population databases (gnomAD no frequency). This variant has not been reported in the literature in individuals affected with LZTR1-related conditions. ClinVar contains an entry for this variant (Variation ID: 1500155). Invitae Evidence Modeling of protein sequence and biophysical properties (such as structural, functional, and spatial information, amino acid conservation, physicochemical variation, residue mobility, and thermodynamic stability) indicates that this missense variant is not expected to disrupt LZTR1 protein function with a negative predictive value of 80%. In summary, the available evidence is currently insufficient to determine the role of this variant in disease. Therefore, it has been classified as a Variant of Uncertain Significance.

GeneDx
Classification: Uncertain significance. Last evaluated: 2022-11-08. Review status: criteria provided, single submitter. Criteria: GeneDx Variant Classification Process June 2021. Collection method: clinical testing. Allele origin: germline. Affected: yes.
Comment: Not observed at significant frequency in large population cohorts (gnomAD); In silico analysis supports that this missense variant has a deleterious effect on protein structure/function; Has not been previously published as pathogenic or benign to our knowledge

Ambry Genetics
Classification: Uncertain significance for Cardiovascular phenotype; Hereditary cancer-predisposing syndrome. Last evaluated: 2022-07-02. Review status: criteria provided, single submitter. Criteria: Ambry Variant Classification Scheme 2023. Collection method: clinical testing. Allele origin: germline.
Comment: The p.L449R variant (also known as c.1346T>G), located in coding exon 12 of the LZTR1 gene, results from a T to G substitution at nucleotide position 1346. The leucine at codon 449 is replaced by arginine, an amino acid with dissimilar properties. This amino acid position is conserved. In addition, this alteration is predicted to be deleterious by in silico analysis. Since supporting evidence is limited at this time, the clinical significance of this alteration remains unclear.

NM_006767.4(LZTR1):c.1346T>G (p.Leu449Arg)

Gene: LZTR1 (leucine zipper like post translational regulator 1; plus strand). Cytogenetic location: 22q11.21.
Variant type: single nucleotide variant.
Coding change: c.1346T>G on transcript NM_006767.4 (MANE Select); coding-DNA position 1346, T replaced by G.
Protein change: p.Leu449Arg; replaces leucine 449 with arginine.
Molecular consequence: missense variant.
Genome position (GRCh38, 1-based): chr22:20,993,747, T>G. VCF-style: chr22-20993747-T-G. GRCh37 (hg19) VCF-style: chr22-21348036-T-G.
Other names: c.1346T>G (NM_006767.3); short protein forms L449R.
Identifiers: ClinVar variation 1500155 (VCV001500155.9), dbSNP rs1337420891, ClinGen allele CA410774760.
Genomic context (GRCh38, chr22:20,993,747, plus strand): 5'-TGCACGAGGACTACGGGCGGCTGTGGGAGAGCCGCCAGTTCTGCGACGTGGAGTTCGTGC[T>G]GGGTGAGGTGGGTGCCTGTCCTCGCACCCTGCTCTGCCTGCTGTGCCTGGGCAGTGGGAA-3'
Protein context (NP_006758.2, residues 439-459): SRQFCDVEFV[Leu449Arg]GEKEECVQGH